The following is an entry in ClinVar:

NM_201384.3(PLEC):c.7134G>C (p.Met2378Ile)

Gene: PLEC (plectin; minus strand). Cytogenetic location: 8q24.3.
Variant type: single nucleotide variant.
Coding change: c.7134G>C on transcript NM_201384.3 (MANE Select); coding-DNA position 7134, G replaced by C.
Protein change: p.Met2378Ile; replaces methionine 2378 with isoleucine.
Molecular consequence: missense variant.
Genome position (GRCh38, 1-based): chr8:143,922,795, C>G on the plus strand (G>C on the coding strand, the complement: PLEC is on the minus strand). VCF-style: chr8-143922795-C-G. GRCh37 (hg19) VCF-style: chr8-144996963-C-G.
Other names: c.7092G>C, p.Met2364Ile (NM_201378.4); c.7068G>C, p.Met2356Ile (NM_201379.3); c.7545G>C, p.Met2515Ile (NM_201380.4); c.7038G>C, p.Met2346Ile (NM_201381.3); c.7134G>C, p.Met2378Ile (NM_201382.4); c.7146G>C, p.Met2382Ile (NM_201383.3); c.7215G>C, p.Met2405Ile (NM_000445.5); short protein forms M2356I, M2405I, M2346I, M2364I, M2378I, M2382I, M2515I.
Identifiers: ClinVar variation 1464065 (VCV001464065.6), dbSNP rs782127583, ClinGen allele CA372529612.

ClinVar aggregate classification (germline): Uncertain significance (1 of 4 stars; one submission).

Conditions:
Epidermolysis bullosa simplex 5B, with muscular dystrophy (EBS5B). Also called: EPIDERMOLYSIS BULLOSA SIMPLEX AND LIMB-GIRDLE MUSCULAR DYSTROPHY; Epidermolysis bullosa simplex with muscular dystrophy. Identifiers: Orphanet 257, MedGen C2931072, MONDO:0009181, OMIM 226670.
Epidermolysis bullosa simplex, Ogna type (EBS5A). Also called: Pidermolysis bullosa simplex 5A, Ogna type; EPIDERMOLYSIS BULLOSA SIMPLEX 5A, OGNA TYPE. Identifiers: Orphanet 79401, MedGen C0432317, MONDO:0007555, OMIM 131950.
Epidermolysis bullosa simplex with nail dystrophy (EBS5D). Identifiers: MedGen C4225309, MONDO:0014661, OMIM 616487.
Autosomal recessive limb-girdle muscular dystrophy type 2Q (LGMDR17). Also called: MUSCULAR DYSTROPHY, LIMB-GIRDLE, AUTOSOMAL RECESSIVE 17. Identifiers: Orphanet 254361, MedGen C3150989, MONDO:0013390, OMIM 613723.
Epidermolysis bullosa simplex 5C, with pyloric atresia (EBS5C). Also called: PLEC1-Related Epidermolysis Bullosa with Pyloric Atresia; PLEC-Related Epidermolysis Bullosa with Pyloric Atresia; Epidermolysis bullosa simplex with pyloric atresia. Identifiers: Orphanet 158684, MedGen C2677349, MONDO:0012807, OMIM 612138.

Submission:

Labcorp Genetics (formerly Invitae), Labcorp
Classification: Uncertain significance for Autosomal recessive limb-girdle muscular dystrophy type 2Q; Epidermolysis bullosa simplex, Ogna type; Epidermolysis bullosa simplex with nail dystrophy; Epidermolysis bullosa simplex 5C, with pyloric atresia; Epidermolysis bullosa simplex 5B, with muscular dystrophy. Last evaluated: 2022-08-15. Review status: criteria provided, single submitter. Criteria: Invitae Variant Classification Sherloc (09022015). Collection method: clinical testing. Allele origin: germline.
Comment: This variant is not present in population databases (gnomAD no frequency). This sequence change replaces methionine, which is neutral and non-polar, with isoleucine, which is neutral and non-polar, at codon 2405 of the PLEC protein (p.Met2405Ile). In summary, the available evidence is currently insufficient to determine the role of this variant in disease. Therefore, it has been classified as a Variant of Uncertain Significance. Algorithms developed to predict the effect of missense changes on protein structure and function (SIFT, PolyPhen-2, Align-GVGD) all suggest that this variant is likely to be tolerated. ClinVar contains an entry for this variant (Variation ID: 1464065). This variant has not been reported in the literature in individuals affected with PLEC-related conditions.